The following is an entry in ClinVar:

NM_001111125.3(IQSEC2):c.890G>A (p.Arg297His)

Gene: IQSEC2 (IQ motif and Sec7 domain ArfGEF 2; minus strand). Cytogenetic location: Xp11.22.
Variant type: single nucleotide variant.
Coding change: c.890G>A on transcript NM_001111125.3 (MANE Select); coding-DNA position 890, G replaced by A.
Protein change: p.Arg297His; replaces arginine 297 with histidine.
Molecular consequence: missense variant.
Genome position (GRCh38, 1-based): chrX:53,255,909, C>T on the plus strand (G>A on the coding strand, the complement: IQSEC2 is on the minus strand). VCF-style: chrX-53255909-C-T. GRCh37 (hg19) VCF-style: chrX-53285091-C-T.
Other names: c.890G>A, p.Arg297His (NM_001410736.1); c.275G>A, p.Arg92His (NM_015075.2); short protein forms R92H, R297H.
Identifiers: ClinVar variation 2147289 (VCV002147289.4), dbSNP rs2519851531, ClinGen allele CA413171591.
Genomic context (GRCh38, chrX:53,255,909, plus strand): 5'-TTGGAGCGCTTTATCTCCTCCTCCTCCTGCTTCCTCAGGGCGACACTGGCTGGCTGGAGG[C>T]GTGCCCGCTGAGCCCAGGGAAGGCCCACTCCAGCAGGGGGGCCCCCCATGTGGCTGCTGG-3'
Protein context (NP_001104595.1, residues 287-307): GVGLPWAQRA[Arg297His]LQPASVALRK

ClinVar aggregate classification (germline): Uncertain significance (1 of 4 stars; one submission).

Conditions:
Intellectual developmental disorder, X-linked 1. Also called: Atkin Flaitz Patil Smith syndrome; Intellectual disability, X-linked 1; MENTAL RETARDATION, X-LINKED 18; MENTAL RETARDATION, X-LINKED 78. Identifiers: Orphanet 777, MedGen C2931498, MONDO:0010656, OMIM 309530.

Allele frequency attached by ClinVar (database versions not stated): gnomAD exomes below 0.00001.
gnomAD v4.1: 2 of 1,208,063 alleles (0.00017%); highest among the groups gnomAD compares: Non-Finnish European, 0.00022%; no homozygotes.

Submission:

Labcorp Genetics (formerly Invitae), Labcorp
Classification: Uncertain significance for Intellectual developmental disorder, X-linked 1. Last evaluated: 2023-08-17. Review status: criteria provided, single submitter. Criteria: Invitae Variant Classification Sherloc (09022015). Collection method: clinical testing. Allele origin: germline.
Comment: This sequence change replaces arginine, which is basic and polar, with histidine, which is basic and polar, at codon 297 of the IQSEC2 protein (p.Arg297His). This variant is not present in population databases (gnomAD no frequency). This variant has not been reported in the literature in individuals affected with IQSEC2-related conditions. ClinVar contains an entry for this variant (Variation ID: 2147289). Advanced modeling of protein sequence and biophysical properties (such as structural, functional, and spatial information, amino acid conservation, physicochemical variation, residue mobility, and thermodynamic stability) performed at Invitae indicates that this missense variant is not expected to disrupt IQSEC2 protein function. In summary, the available evidence is currently insufficient to determine the role of this variant in disease. Therefore, it has been classified as a Variant of Uncertain Significance.